The following is an entry in ClinVar:

ClinVar aggregate classification (germline): Uncertain significance (1 of 4 stars; one submission).

Submission:

Labcorp Genetics (formerly Invitae), Labcorp
Classification: Uncertain significance. Last evaluated: 2024-04-10. Review status: criteria provided, single submitter. Criteria: Invitae Variant Classification Sherloc (09022015). Collection method: clinical testing. Allele origin: germline.
Comment: This sequence change replaces valine, which is neutral and non-polar, with isoleucine, which is neutral and non-polar, at codon 86 of the MED17 protein (p.Val86Ile). This variant is not present in population databases (gnomAD no frequency). This variant has not been reported in the literature in individuals affected with MED17-related conditions. ClinVar contains an entry for this variant (Variation ID: 1945861). Advanced modeling of protein sequence and biophysical properties (such as structural, functional, and spatial information, amino acid conservation, physicochemical variation, residue mobility, and thermodynamic stability) performed at Invitae indicates that this missense variant is not expected to disrupt MED17 protein function with a negative predictive value of 80%. In summary, the available evidence is currently insufficient to determine the role of this variant in disease. Therefore, it has been classified as a Variant of Uncertain Significance.

NM_004268.5(MED17):c.256G>A (p.Val86Ile)

Gene: MED17 (mediator complex subunit 17; plus strand). Cytogenetic location: 11q21.
Variant type: single nucleotide variant.
Coding change: c.256G>A on transcript NM_004268.5 (MANE Select); coding-DNA position 256, G replaced by A.
Protein change: p.Val86Ile; replaces valine 86 with isoleucine.
Molecular consequence: missense variant.
Genome position (GRCh38, 1-based): chr11:93,788,006, G>A. VCF-style: chr11-93788006-G-A. GRCh37 (hg19) VCF-style: chr11-93521172-G-A.
Other names: short protein forms V86I.
Identifiers: ClinVar variation 1945861 (VCV001945861.5), dbSNP rs2497518003, ClinGen allele CA382389998.